The following is an entry in ClinVar:

ClinVar aggregate classification (germline): Uncertain significance. Review status: criteria provided, multiple submitters, no conflicts (2 of 4 stars). 2 submissions from 2 submitters: Uncertain significance (2). Last evaluated 2025-01-17.

Conditions:
Inborn genetic diseases. Identifiers: MedGen C0950123, MeSH D030342.

Allele frequency attached by ClinVar (database versions not stated): gnomAD 0.00001; gnomAD exomes 0.00001 and 0.00004; TOPMed 0.00001; ExAC 0.00002.
gnomAD v4.1: 20 of 1,613,858 alleles (0.0012%); highest among the groups gnomAD compares: Non-Finnish European, 0.0017%; no homozygotes.

Submissions (2):

Ambry Genetics
Classification: Uncertain significance for Inborn genetic diseases. Last evaluated: 2025-01-17. Review status: criteria provided, single submitter. Criteria: Ambry Variant Classification Scheme 2023. Collection method: clinical testing. Allele origin: germline.

Labcorp Genetics (formerly Invitae), Labcorp
Classification: Uncertain significance. Last evaluated: 2022-07-12. Review status: criteria provided, single submitter. Criteria: Invitae Variant Classification Sherloc (09022015). Collection method: clinical testing. Allele origin: germline.
Comment: This sequence change replaces glutamic acid, which is acidic and polar, with lysine, which is basic and polar, at codon 224 of the C2CD3 protein (p.Glu224Lys). This variant is present in population databases (no rsID available, gnomAD 0.008%). This variant has not been reported in the literature in individuals affected with C2CD3-related conditions. ClinVar contains an entry for this variant (Variation ID: 1525139). Algorithms developed to predict the effect of missense changes on protein structure and function are either unavailable or do not agree on the potential impact of this missense change (SIFT: "Tolerated"; PolyPhen-2: "Possibly Damaging"; Align-GVGD: "Class C0"). In summary, the available evidence is currently insufficient to determine the role of this variant in disease. Therefore, it has been classified as a Variant of Uncertain Significance.

NM_001286577.2(C2CD3):c.670G>A (p.Glu224Lys)

Gene: C2CD3 (C2 domain containing 3 centriole elongation regulator; minus strand). Cytogenetic location: 11q13.4.
Variant type: single nucleotide variant.
Coding change: c.670G>A on transcript NM_001286577.2 (MANE Select); coding-DNA position 670, G replaced by A.
Protein change: p.Glu224Lys; replaces glutamic acid 224 with lysine.
Molecular consequence: missense variant.
Genome position (GRCh38, 1-based): chr11:74,139,642, C>T on the plus strand (G>A on the coding strand, the complement: C2CD3 is on the minus strand). VCF-style: chr11-74139642-C-T. GRCh37 (hg19) VCF-style: chr11-73850687-C-T.
Other names: c.670G>A, p.Glu224Lys (NM_015531.6); c.670G>A (NM_015531.4); short protein forms E224K.
Identifiers: ClinVar variation 1525139 (VCV001525139.4), dbSNP rs913159343, ClinGen allele CA6183173.